The following is an entry in ClinVar:

NM_198965.2(PTHLH):c.54C>G (p.Tyr18Ter)

Gene: PTHLH (parathyroid hormone like hormone; minus strand). Cytogenetic location: 12p11.22.
Variant type: single nucleotide variant.
Coding change: c.54C>G on transcript NM_198965.2 (MANE Select); coding-DNA position 54, C replaced by G.
Protein change: p.Tyr18Ter; replaces tyrosine 18 with a stop codon.
Molecular consequence: nonsense.
Genome position (GRCh38, 1-based): chr12:27,969,441, G>C on the plus strand (C>G on the coding strand, the complement: PTHLH is on the minus strand). VCF-style: chr12-27969441-G-C. GRCh37 (hg19) VCF-style: chr12-28122374-G-C.
Other names: c.54C>G, p.Tyr18Ter (NM_002820.3, NM_198964.2, NM_198966.2); short protein forms Y18*.
Identifiers: ClinVar variation 3376415 (VCV003376415.2).

ClinVar aggregate classification (germline): Likely pathogenic. Review status: criteria provided, multiple submitters, no conflicts (2 of 4 stars). 2 submissions from 2 submitters: Likely pathogenic (2). Last evaluated 2024-06-25.

Conditions:
PTHLH-related disorder. Also called: PTHLH-related condition.
Brachydactyly type E2 (BDE2). Identifiers: Orphanet 93387, MedGen C3150644, MONDO:0013244, OMIM 613382.

Submissions (2):

Pittsburgh Clinical Genomics Laboratory, University of Pittsburgh Medical Center
Classification: Likely pathogenic for Brachydactyly type E2. Last evaluated: 2024-06-25. Review status: criteria provided, single submitter. Criteria: ACMG Guidelines, 2015. Collection method: clinical testing. Allele origin: germline. Inheritance: Autosomal dominant inheritance. Affected: yes.
Comment: This sequence variant is a single nucleotide substitution (C>G) at coding position 54 of the PTHLH gene which changes the Tyr18 codon into a premature termination signal. As it occurs in exon 4 of 6, this variant is predicted to generate a non-functional allele through either the expression of a truncated protein or a loss of PTHLH-encoded parathyroid hormone like hormone expression due to nonsense-mediated decay. This is a previously reported variant (ClinVar 2109885) that has been observed in an individual affected by skeletal dysplasia (PMID: 38702915). This variant is absent from the gnomAD v4.1.0 population database (0 of 1595578 alleles). Haploinsufficiency in PTHLH is a known mechanism of disease (PMID: 26640227). Based upon the evidence, we consider this a likely pathogenic variant. ACMG Criteria: PM2, PVS1

Blueprint Genetics
Classification: Likely pathogenic for PTHLH-related disorders. Last evaluated: 2020-03-12. Review status: criteria provided, single submitter. Criteria: ACMG Guidelines, 2015. Collection method: clinical testing. Allele origin: germline. Affected: yes. Observed: 1 variant allele.

Literature cited by the submitters: PubMed 26640227 (cited by Pittsburgh Clinical Genomics Laboratory, University of Pittsburgh Medical Center); PubMed 38702915 (cited by Pittsburgh Clinical Genomics Laboratory, University of Pittsburgh Medical Center).